The following is an entry in ClinVar:

NM_032119.4(ADGRV1):c.6095C>T (p.Ala2032Val)

Gene: ADGRV1 (adhesion G protein-coupled receptor V1; plus strand). Cytogenetic location: 5q14.3.
Variant type: single nucleotide variant.
Coding change: c.6095C>T on transcript NM_032119.4 (MANE Select); coding-DNA position 6095, C replaced by T.
Protein change: p.Ala2032Val; replaces alanine 2032 with valine.
Molecular consequence: missense variant. On other transcripts: non-coding transcript variant (1).
Genome position (GRCh38, 1-based): chr5:90,684,016, C>T. VCF-style: chr5-90684016-C-T. GRCh37 (hg19) VCF-style: chr5-89979833-C-T.
Other names: short protein forms A2032V.
Identifiers: ClinVar variation 46347 (VCV000046347.25), dbSNP rs142013761, ClinGen allele CA138165.

ClinVar aggregate classification (germline): Benign/Likely benign. Review status: criteria provided, multiple submitters, no conflicts (2 of 4 stars). 8 submissions from 8 submitters: Benign (2); Likely benign (6). Last evaluated 2026-01-26.

Allele frequency attached by ClinVar (database versions not stated): gnomAD exomes 0.00030 and 0.00068; ExAC 0.00082; gnomAD 0.00280 and 0.00299; TOPMed 0.00284; ESP Exome Variant Server 0.00295; 1000 Genomes Project 0.00419; 1000 Genomes Project 30x 0.00437.
gnomAD v4.1: 874 of 1,613,824 alleles (0.054%); highest among the groups gnomAD compares: African/African-American, 0.99%; 3 homozygotes.

Submissions (8):

Labcorp Genetics (formerly Invitae), Labcorp
Classification: Likely benign. Last evaluated: 2026-01-26. Review status: criteria provided, single submitter. Criteria: Invitae Variant Classification Sherloc (09022015). Collection method: clinical testing. Allele origin: germline.

Blueprint Genetics
Classification: Likely benign. Last evaluated: 2024-10-22. Review status: criteria provided, single submitter. Criteria: ACMG Guidelines, 2015. Collection method: clinical testing. Allele origin: germline.

GeneDx
Classification: Likely benign. Last evaluated: 2020-12-30. Review status: criteria provided, single submitter. Criteria: GeneDx Variant Classification Process June 2021. Collection method: clinical testing. Allele origin: germline. Affected: yes.

Athena Diagnostics
Classification: Likely benign. Last evaluated: 2018-09-14. Review status: criteria provided, single submitter. Criteria: Athena Diagnostics Criteria. Collection method: clinical testing. Allele origin: germline.

Center for Pediatric Genomic Medicine, Children's Mercy Hospital and Clinics
Classification: Likely benign. Last evaluated: 2017-02-27. Review status: criteria provided, single submitter. Criteria: ACMG Guidelines, 2015. Collection method: clinical testing. Allele origin: germline.

Eurofins Ntd Llc (ga)
Classification: Benign. Last evaluated: 2014-04-25. Review status: criteria provided, single submitter. Criteria: EGL Classification Definitions 2015. Collection method: clinical testing. Allele origin: germline. Observed: 1 variant allele, 1 heterozygote.

Laboratory for Molecular Medicine, Mass General Brigham Personalized Medicine
Classification: Benign. Last evaluated: 2012-04-30. Review status: criteria provided, single submitter. Criteria: LMM Criteria. Collection method: clinical testing. Allele origin: germline. Observed: 3 variant alleles.
Comment: Ala2032Val in Exon 28 of GPR98: This variant is not expected to have clinical si gnificance because it has been identified in 0.9% (27/2988) of African American chromosomes from a broad population by the NHLBI Exome Sequencing Project (dbSNP rs142013761).

Breakthrough Genomics
Classification: Likely benign. Review status: criteria provided, single submitter. Criteria: ACMG Guidelines, 2015. Collection method: not provided. Allele origin: germline. Inheritance: Autosomal recessive inheritance. Affected: yes.